The following is an entry in ClinVar:

NM_199420.4(POLQ):c.6647G>A (p.Arg2216Gln)

Gene: POLQ (DNA polymerase theta; minus strand). Cytogenetic location: 3q13.33.
Variant type: single nucleotide variant.
Coding change: c.6647G>A on transcript NM_199420.4 (MANE Select); coding-DNA position 6647, G replaced by A.
Protein change: p.Arg2216Gln; replaces arginine 2216 with glutamine.
Molecular consequence: missense variant.
Genome position (GRCh38, 1-based): chr3:121,472,061, C>T on the plus strand (G>A on the coding strand, the complement: POLQ is on the minus strand). VCF-style: chr3-121472061-C-T. GRCh37 (hg19) VCF-style: chr3-121190908-C-T.
Other names: short protein forms R2216Q.
Identifiers: ClinVar variation 1754661 (VCV001754661.3), dbSNP rs761785396, ClinGen allele CA2562413.

ClinVar aggregate classification (germline): Uncertain significance (1 of 4 stars; one submission).

Allele frequency attached by ClinVar (database versions not stated): ExAC 0.00001; gnomAD 0.00001; gnomAD exomes 0.00001.
gnomAD v4.1: 12 of 1,587,770 alleles (0.00076%); highest among the groups gnomAD compares: Middle Eastern, 0.017%; no homozygotes.

Submission:

Ambry Genetics
Classification: Uncertain significance. Last evaluated: 2024-05-29. Review status: criteria provided, single submitter. Criteria: Ambry Variant Classification Scheme 2023. Collection method: clinical testing. Allele origin: germline.
Comment: The p.R2216Q variant (also known as c.6647G>A), located in coding exon 22 of the POLQ gene, results from a G to A substitution at nucleotide position 6647. The arginine at codon 2216 is replaced by glutamine, an amino acid with highly similar properties. This amino acid position is conserved. In addition, this alteration is predicted to be tolerated by in silico analysis. Since supporting evidence is limited at this time, the clinical significance of this alteration remains unclear.